The following is an entry in ClinVar:

ClinVar aggregate classification (germline): Uncertain significance (1 of 4 stars; one submission).

Conditions:
TBX3-related disorder. Also called: TBX3-related condition.

gnomAD v4.1: 18 of 1,576,336 alleles (0.0011%); highest among the groups gnomAD compares: South Asian, 0.02%; no homozygotes.

Submission:

PreventionGenetics, part of Exact Sciences
Classification: Uncertain significance for TBX3-related condition. Last evaluated: 2025-12-22. Review status: criteria provided, single submitter. Criteria: ACMG Guidelines, 2015. Collection method: clinical testing. Allele origin: germline.
Comment: The TBX3 c.1822A>T variant is predicted to result in the amino acid substitution p.Met608Leu. To our knowledge, this variant has not been reported in the literature. This variant is reported in 0.020% of alleles in individuals of South Asian descent in gnomAD. Although we suspect that this variant may be benign, at this time, the clinical significance of this variant is uncertain due to the absence of conclusive functional and genetic evidence.

NM_005996.4(TBX3):c.1762A>T (p.Met588Leu)

Gene: TBX3 (T-box transcription factor 3; minus strand). Cytogenetic location: 12q24.21.
Variant type: single nucleotide variant.
Coding change: c.1762A>T on transcript NM_005996.4 (MANE Select); coding-DNA position 1762, A replaced by T.
Protein change: p.Met588Leu; replaces methionine 588 with leucine.
Molecular consequence: missense variant.
Genome position (GRCh38, 1-based): chr12:114,672,251, T>A on the plus strand (A>T on the coding strand, the complement: TBX3 is on the minus strand). VCF-style: chr12-114672251-T-A. GRCh37 (hg19) VCF-style: chr12-115110056-T-A.
Other names: c.1822A>T, p.Met608Leu (NM_016569.4); short protein forms M608L, M588L.
Identifiers: ClinVar variation 4988581 (VCV004988581.1).